The following is an entry in ClinVar:

ClinVar aggregate classification (germline): Uncertain significance (1 of 4 stars; one submission).

Conditions:
Intellectual disability-microcephaly-strabismus-behavioral abnormalities syndrome. Also called: White-Sutton Syndrome. Identifiers: Orphanet 468678, MedGen C4225351, MONDO:0014606, OMIM 616364.

Submission:

Laboratorio de Genetica e Diagnostico Molecular, Hospital Israelita Albert Einstein
Classification: Uncertain significance for Intellectual disability-microcephaly-strabismus-behavioral abnormalities syndrome. Last evaluated: 2025-07-22. Review status: criteria provided, single submitter. Criteria: ACMG Guidelines, 2015. Collection method: clinical testing. Allele origin: germline. Affected: yes.
Comment: ACMG classification criteria: PM2 supporting, PP2 supporting, BP4 supporting

NM_015100.4(POGZ):c.1671A>C (p.Glu557Asp)

Gene: POGZ (pogo transposable element derived with ZNF domain; minus strand). Cytogenetic location: 1q21.3.
Variant type: single nucleotide variant.
Coding change: c.1671A>C on transcript NM_015100.4 (MANE Select); coding-DNA position 1671, A replaced by C.
Protein change: p.Glu557Asp; replaces glutamic acid 557 with aspartic acid.
Molecular consequence: missense variant.
Genome position (GRCh38, 1-based): chr1:151,423,404, T>G on the plus strand (A>C on the coding strand, the complement: POGZ is on the minus strand). VCF-style: chr1-151423404-T-G. GRCh37 (hg19) VCF-style: chr1-151395880-T-G.
Other names: c.1644A>C, p.Glu548Asp (NM_001194937.2); c.1485A>C, p.Glu495Asp (NM_001194938.2); c.1692A>C, p.Glu564Asp (NM_001410860.1); c.1386A>C, p.Glu462Asp (NM_145796.4); c.1512A>C, p.Glu504Asp (NM_207171.2); short protein forms E462D, E495D, E504D, E548D, E557D, E564D.
Identifiers: ClinVar variation 4846900 (VCV004846900.1).